The following is an entry in ClinVar:

NM_003718.5(CDK13):c.1997A>G (p.Glu666Gly)

Gene: CDK13 (cyclin dependent kinase 13; plus strand). Cytogenetic location: 7p14.1.
Variant type: single nucleotide variant.
Coding change: c.1997A>G on transcript NM_003718.5 (MANE Select); coding-DNA position 1997, A replaced by G.
Protein change: p.Glu666Gly; replaces glutamic acid 666 with glycine.
Molecular consequence: missense variant.
Genome position (GRCh38, 1-based): chr7:39,997,619, A>G. VCF-style: chr7-39997619-A-G. GRCh37 (hg19) VCF-style: chr7-40037218-A-G.
Other names: c.1997A>G, p.Glu666Gly (NM_031267.4); short protein forms E666G.
Identifiers: ClinVar variation 2872943 (VCV002872943.3), dbSNP rs776699836, ClinGen allele CA4228610.

ClinVar aggregate classification (germline): Uncertain significance (1 of 4 stars; one submission).

Allele frequency attached by ClinVar (database versions not stated): ExAC 0.00001; gnomAD exomes 0.00001.
gnomAD v4.1: 3 of 1,613,814 alleles (0.00019%); highest among the groups gnomAD compares: Non-Finnish European, 0.00025%; no homozygotes.

Submission:

Labcorp Genetics (formerly Invitae), Labcorp
Classification: Uncertain significance. Last evaluated: 2023-01-06. Review status: criteria provided, single submitter. Criteria: Invitae Variant Classification Sherloc (09022015). Collection method: clinical testing. Allele origin: germline.
Comment: In summary, the available evidence is currently insufficient to determine the role of this variant in disease. Therefore, it has been classified as a Variant of Uncertain Significance. Advanced modeling of protein sequence and biophysical properties (such as structural, functional, and spatial information, amino acid conservation, physicochemical variation, residue mobility, and thermodynamic stability) has been performed at Invitae for this missense variant, however the output from this modeling did not meet the statistical confidence thresholds required to predict the impact of this variant on CDK13 protein function. This variant has not been reported in the literature in individuals affected with CDK13-related conditions. This variant is present in population databases (rs776699836, gnomAD 0.0009%). This sequence change replaces glutamic acid, which is acidic and polar, with glycine, which is neutral and non-polar, at codon 666 of the CDK13 protein (p.Glu666Gly).